The following is an entry in ClinVar:

NM_000075.4(CDK4):c.548C>T (p.Pro183Leu)

Gene: CDK4 (cyclin dependent kinase 4; minus strand). Cytogenetic location: 12q14.1.
Variant type: single nucleotide variant.
Coding change: c.548C>T on transcript NM_000075.4 (MANE Select); coding-DNA position 548, C replaced by T.
Protein change: p.Pro183Leu; replaces proline 183 with leucine.
Molecular consequence: missense variant.
Genome position (GRCh38, 1-based): chr12:57,750,740, G>A on the plus strand (C>T on the coding strand, the complement: CDK4 is on the minus strand). VCF-style: chr12-57750740-G-A. GRCh37 (hg19) VCF-style: chr12-58144523-G-A.
Other names: short protein forms P183L.
Identifiers: ClinVar variation 4843334 (VCV004843334.1).

ClinVar aggregate classification (germline): Uncertain significance (1 of 4 stars; one submission).

Conditions:
Hereditary cancer-predisposing syndrome. Also called: Neoplastic Syndromes, Hereditary; Tumor predisposition; Hereditary Cancer Syndrome; Hereditary neoplastic syndrome. Identifiers: Orphanet 140162, MedGen C0027672, MeSH D009386, MONDO:0015356.

Submission:

Ambry Genetics
Classification: Uncertain significance for Hereditary cancer-predisposing syndrome. Last evaluated: 2026-01-13. Review status: criteria provided, single submitter. Criteria: Ambry Variant Classification Scheme 2023. Collection method: clinical testing. Allele origin: germline.
Comment: The p.P183L variant (also known as c.548C>T), located in coding exon 4 of the CDK4 gene, results from a C to T substitution at nucleotide position 548. The proline at codon 183 is replaced by leucine, an amino acid with similar properties. This amino acid position is highly conserved in available vertebrate species. In addition, this alteration is predicted to be deleterious by in silico analysis. Based on the available evidence, the clinical significance of this variant remains unclear.